The following is an entry in ClinVar:

ClinVar aggregate classification (germline): Uncertain significance (1 of 4 stars; one submission).

Submission:

GeneDx
Classification: Uncertain significance. Last evaluated: 2026-03-21. Review status: criteria provided, single submitter. Criteria: GeneDx Variant Classification Process June 2021. Collection method: clinical testing. Allele origin: germline.
Comment: Not observed at significant frequency in large population cohorts (gnomAD); In silico analysis suggests that this missense variant does not alter protein structure/function; Has not been previously published as pathogenic or benign to our knowledge

NM_032482.3(DOT1L):c.3097G>C (p.Gly1033Arg)

Gene: DOT1L (DOT1 like histone lysine methyltransferase; plus strand). Cytogenetic location: 19p13.3.
Variant type: single nucleotide variant.
Coding change: c.3097G>C on transcript NM_032482.3 (MANE Select); coding-DNA position 3097, G replaced by C.
Protein change: p.Gly1033Arg; replaces glycine 1033 with arginine.
Molecular consequence: missense variant.
Genome position (GRCh38, 1-based): chr19:2,222,266, G>C. VCF-style: chr19-2222266-G-C. GRCh37 (hg19) VCF-style: chr19-2222265-G-C.
Other names: c.3097G>C, p.Gly1033Arg (NM_001411141.1); short protein forms G1033R.
Identifiers: ClinVar variation 5016961 (VCV005016961.1).